The following is an entry in ClinVar:

ClinVar aggregate classification (germline): Benign/Likely benign. Review status: criteria provided, multiple submitters, no conflicts (2 of 4 stars). 5 submissions from 5 submitters: Benign (1); Likely benign (4). Last evaluated 2026-03-01.

Conditions:
Hereditary spastic paraplegia 4. Also called: Familial spastic paraplegia autosomal dominant 2; Spastic paraplegia 4, autosomal dominant; Spastic Paraplegia 4. Identifiers: Orphanet 100985, MedGen C1866855, MONDO:0008438, OMIM 182601.

Allele frequency attached by ClinVar (database versions not stated): 1000 Genomes Project 30x 0.00016; 1000 Genomes Project 0.00020; ESP Exome Variant Server 0.00062; TOPMed 0.00062; gnomAD 0.00092.
gnomAD v4.1: 952 of 1,565,492 alleles (0.061%); highest among the groups gnomAD compares: Non-Finnish European, 0.066%; 3 homozygotes.

Submissions (5):

CeGaT Center for Human Genetics Tuebingen
Classification: Likely benign. Last evaluated: 2026-03-01. Review status: criteria provided, single submitter. Criteria: CeGaT Center For Human Genetics Tuebingen Variant Classification Criteria Version 2. Collection method: clinical testing. Allele origin: germline. Affected: yes. Observed: 4 variant alleles.
Comment: SPAST: BS1

Labcorp Genetics (formerly Invitae), Labcorp
Classification: Benign for Hereditary spastic paraplegia 4. Last evaluated: 2026-01-12. Review status: criteria provided, single submitter. Criteria: Invitae Variant Classification Sherloc (09022015). Collection method: clinical testing. Allele origin: germline.

Blueprint Genetics
Classification: Likely benign. Last evaluated: 2024-11-19. Review status: criteria provided, single submitter. Criteria: ACMG Guidelines, 2015. Collection method: clinical testing. Allele origin: germline.

GeneDx
Classification: Likely benign. Last evaluated: 2016-10-11. Review status: criteria provided, single submitter. Criteria: GeneDx Variant Classification (06012015). Collection method: clinical testing. Allele origin: germline. Affected: yes.
Comment: This variant is considered likely benign or benign based on one or more of the following criteria: it is a conservative change, it occurs at a poorly conserved position in the protein, it is predicted to be benign by multiple in silico algorithms, and/or has population frequency not consistent with disease.

Breakthrough Genomics
Classification: Likely benign. Review status: criteria provided, single submitter. Criteria: ACMG Guidelines, 2015. Collection method: not provided. Allele origin: germline. Inheritance: Autosomal dominant inheritance. Affected: yes.

NM_014946.4(SPAST):c.1173+17A>C

Gene: SPAST (spastin; plus strand). Cytogenetic location: 2p22.3.
Variant type: single nucleotide variant.
Coding change: c.1173+17A>C on transcript NM_014946.4 (MANE Select); 17 bases into the intron after coding-DNA position 1173, A replaced by C.
Molecular consequence: intron variant.
Genome position (GRCh38, 1-based): chr2:32,127,039, A>C. VCF-style: chr2-32127039-A-C. GRCh37 (hg19) VCF-style: chr2-32352108-A-C.
Other names: c.1077+17A>C (NM_199436.2, NM_001377959.1); c.1170+17A>C (NM_001363823.2); c.1074+17A>C (NM_001363875.2).
Identifiers: ClinVar variation 383910 (VCV000383910.34), dbSNP rs200640366, ClinGen allele CA1600818.